The following is an entry in ClinVar:

NM_018685.5(ANLN):c.434G>C (p.Arg145Pro)

Gene: ANLN (anillin, actin binding protein; plus strand). Cytogenetic location: 7p14.2.
Variant type: single nucleotide variant.
Coding change: c.434G>C on transcript NM_018685.5 (MANE Select); coding-DNA position 434, G replaced by C.
Protein change: p.Arg145Pro; replaces arginine 145 with proline.
Molecular consequence: missense variant.
Genome position (GRCh38, 1-based): chr7:36,399,340, G>C. VCF-style: chr7-36399340-G-C. GRCh37 (hg19) VCF-style: chr7-36438949-G-C.
Other names: c.434G>C, p.Arg145Pro (NM_001284301.3, NM_001284302.3); short protein forms R145P.
Identifiers: ClinVar variation 2761731 (VCV002761731.3), dbSNP rs34285732, ClinGen allele CA367204706.

ClinVar aggregate classification (germline): Uncertain significance (1 of 4 stars; one submission).

Submission:

Labcorp Genetics (formerly Invitae), Labcorp
Classification: Uncertain significance. Last evaluated: 2025-06-12. Review status: criteria provided, single submitter. Criteria: Invitae Variant Classification Sherloc (09022015). Collection method: clinical testing. Allele origin: germline.
Comment: This sequence change replaces arginine, which is basic and polar, with proline, which is neutral and non-polar, at codon 145 of the ANLN protein (p.Arg145Pro). This variant is not present in population databases (gnomAD no frequency). This variant has not been reported in the literature in individuals affected with ANLN-related conditions. ClinVar contains an entry for this variant (Variation ID: 2761731). An algorithm developed to predict the effect of missense changes on protein structure and function (PolyPhen-2) suggests that this variant is likely to be disruptive. In summary, the available evidence is currently insufficient to determine the role of this variant in disease. Therefore, it has been classified as a Variant of Uncertain Significance.